The following is an entry in ClinVar:

NM_001077418.3(TMEM231):c.665-19_665-13del

Gene: TMEM231 (transmembrane protein 231; minus strand). Cytogenetic location: 16q23.1.
Variant type: Microsatellite.
Coding change: c.665-19_665-13del on transcript NM_001077418.3 (MANE Select); 19 bases into the intron before coding-DNA position 665 through 13 bases into the intron before coding-DNA position 665, 7 bases deleted (GTTAATG; older notation c.665-19_665-13delGTTAATG).
Molecular consequence: intron variant.
Genome position (GRCh38, 1-based): chr16:75,541,468-75,541,474, CATTAAC deleted on the plus strand (GTTAATG on the coding strand, the reverse complement: TMEM231 is on the minus strand); deleting any 7 consecutive bases within chr16:75,541,468-75,541,483 gives the same sequence; the c. name uses the placement nearest the transcript's 3' end. VCF-style (leftmost placement, unchanged base first): chr16-75541467-TCATTAAC-T. GRCh37 (hg19) VCF-style: chr16-75575365-TCATTAAC-T.
Other names: c.824-19_824-13del (NM_001077416.2).
Identifiers: ClinVar variation 2088537 (VCV002088537.4), dbSNP rs1158352355, ClinGen allele CA723945830.

ClinVar aggregate classification (germline): Uncertain significance (1 of 4 stars; one submission).

Conditions:
Meckel syndrome, type 11 (MKS11). Identifiers: Orphanet 564, MedGen C3809352, MONDO:0014164, OMIM 615397.
Joubert syndrome 20 (JBTS20). Identifiers: Orphanet 475, MedGen C3554235, MONDO:0013994, OMIM 614970.

Submission:

Labcorp Genetics (formerly Invitae), Labcorp
Classification: Uncertain significance for Joubert syndrome 20; Meckel syndrome, type 11. Last evaluated: 2022-05-21. Review status: criteria provided, single submitter. Criteria: Invitae Variant Classification Sherloc (09022015). Collection method: clinical testing. Allele origin: germline.
Comment: This sequence change falls in intron 4 of the TMEM231 gene. It does not directly change the encoded amino acid sequence of the TMEM231 protein. This variant is not present in population databases (gnomAD no frequency). This variant has not been reported in the literature in individuals affected with TMEM231-related conditions. Algorithms developed to predict the effect of sequence changes on RNA splicing suggest that this variant may disrupt the consensus splice site. In summary, the available evidence is currently insufficient to determine the role of this variant in disease. Therefore, it has been classified as a Variant of Uncertain Significance.